The following is an entry in ClinVar:

NM_030632.3(ASXL3):c.3462T>C (p.Gly1154=)

Gene: ASXL3 (ASXL transcriptional regulator 3; plus strand). Cytogenetic location: 18q12.1.
Variant type: single nucleotide variant.
Coding change: c.3462T>C on transcript NM_030632.3 (MANE Select); coding-DNA position 3462, T replaced by C.
Protein change: p.Gly1154=; no amino-acid change (glycine 1154 retained).
Molecular consequence: synonymous variant.
Genome position (GRCh38, 1-based): chr18:33,743,310, T>C. VCF-style: chr18-33743310-T-C. GRCh37 (hg19) VCF-style: chr18-31323274-T-C.
Identifiers: ClinVar variation 3257124 (VCV003257124.17).
Genomic context (GRCh38, chr18:33,743,310, plus strand): 5'-CTCAAAGGAAGGGCCTCCAAACTTAGAAGTCTCTTCTACCCCTGAAACAAAAATGGAAGG[T>C]TCGACTGGTGTCATTATTGTCAATCCAAACTGTAGATCTCCTAGCAACAAGTCTGCCCAC-3'
Protein context (NP_085135.1, residues 1144-1164): VSSTPETKME[Gly1154=]STGVIIVNPN

ClinVar aggregate classification (germline): Likely benign (1 of 4 stars; one submission).

Submission:

CeGaT Center for Human Genetics Tuebingen
Classification: Likely benign. Last evaluated: 2024-07-01. Review status: criteria provided, single submitter. Criteria: CeGaT Center For Human Genetics Tuebingen Variant Classification Criteria Version 2. Collection method: clinical testing. Allele origin: germline. Affected: yes. Observed: 1 variant allele.
Comment: ASXL3: PM2:Supporting, BP4, BP7